The following is an entry in ClinVar:

NM_000155.4(GALT):c.910C>G (p.Pro304Ala)

Gene: GALT (galactose-1-phosphate uridylyltransferase; plus strand). Cytogenetic location: 9p13.3.
Variant type: single nucleotide variant.
Coding change: c.910C>G on transcript NM_000155.4 (MANE Select); coding-DNA position 910, C replaced by G.
Protein change: p.Pro304Ala; replaces proline 304 with alanine.
Molecular consequence: missense variant.
Genome position (GRCh38, 1-based): chr9:34,649,415, C>G. VCF-style: chr9-34649415-C-G. GRCh37 (hg19) VCF-style: chr9-34649412-C-G.
Other names: c.583C>G, p.Pro195Ala (NM_001258332.2); short protein forms P195A, P304A.
Identifiers: ClinVar variation 2034385 (VCV002034385.4), dbSNP rs2132346162, ClinGen allele CA373284645.

ClinVar aggregate classification (germline): Likely pathogenic (1 of 4 stars; one submission).

Conditions:
Deficiency of UDPglucose-hexose-1-phosphate uridylyltransferase. Also called: GALT deficiency; Galactosemia, classic; GALACTOSEMIA I; Transferase Deficiency Galactosemia; GALACTOSE-1-PHOSPHATE URIDYLYLTRANSFERASE DEFICIENCY. Identifiers: Orphanet 352, Orphanet 79239, MedGen C0268151, MONDO:0009258, OMIM 230400.

Submission:

Labcorp Genetics (formerly Invitae), Labcorp
Classification: Likely pathogenic for Deficiency of UDPglucose-hexose-1-phosphate uridylyltransferase. Last evaluated: 2025-06-18. Review status: criteria provided, single submitter. Criteria: Invitae Variant Classification Sherloc (09022015). Collection method: clinical testing. Allele origin: germline.
Comment: This sequence change replaces proline, which is neutral and non-polar, with alanine, which is neutral and non-polar, at codon 304 of the GALT protein (p.Pro304Ala). This variant is not present in population databases (gnomAD no frequency). This variant has not been reported in the literature in individuals affected with GALT-related conditions. ClinVar contains an entry for this variant (Variation ID: 2034385). Invitae Evidence Modeling of protein sequence and biophysical properties (such as structural, functional, and spatial information, amino acid conservation, physicochemical variation, residue mobility, and thermodynamic stability) indicates that this missense variant is expected to disrupt GALT protein function with a positive predictive value of 95%. This variant disrupts the p.Pro304 amino acid residue in GALT. Other variant(s) that disrupt this residue have been determined to be pathogenic (PMID: 30987402; internal data). This suggests that this residue is clinically significant, and that variants that disrupt this residue are likely to be disease-causing. In summary, the currently available evidence indicates that the variant is pathogenic, but additional data are needed to prove that conclusively. Therefore, this variant has been classified as Likely Pathogenic.

Literature cited by the submitters: PubMed 30987402.